The following is an entry in ClinVar:

NM_001197104.2(KMT2A):c.9755T>C (p.Val3252Ala)

Gene: KMT2A (lysine methyltransferase 2A; plus strand). Cytogenetic location: 11q23.3.
Variant type: single nucleotide variant.
Coding change: c.9755T>C on transcript NM_001197104.2 (MANE Select); coding-DNA position 9755, T replaced by C.
Protein change: p.Val3252Ala; replaces valine 3252 with alanine.
Molecular consequence: missense variant.
Genome position (GRCh38, 1-based): chr11:118,505,647, T>C. VCF-style: chr11-118505647-T-C. GRCh37 (hg19) VCF-style: chr11-118376362-T-C.
Other names: c.9746T>C, p.Val3249Ala (NM_005933.4); c.9755T>C (NM_001197104.1); short protein forms V3252A, V3249A.
Identifiers: ClinVar variation 1465864 (VCV001465864.9), dbSNP rs1349678924, ClinGen allele CA382821618.

ClinVar aggregate classification (germline): Uncertain significance. Review status: criteria provided, multiple submitters, no conflicts (2 of 4 stars). 2 submissions from 2 submitters: Uncertain significance (2). Last evaluated 2025-01-31.

Conditions:
KMT2A-related disorder. Also called: KMT2A-related condition.

Allele frequency attached by ClinVar (database versions not stated): gnomAD exomes below 0.00001; gnomAD 0.00001; TOPMed 0.00001.

Submissions (2):

PreventionGenetics, part of Exact Sciences
Classification: Uncertain significance for KMT2A-related condition. Last evaluated: 2025-01-31. Review status: criteria provided, single submitter. Criteria: ACMG Guidelines, 2015. Collection method: clinical testing. Allele origin: germline.
Comment: The KMT2A c.9755T>C variant is predicted to result in the amino acid substitution p.Val3252Ala. To our knowledge, this variant has not been reported in the literature or in a large population database (gnomAD), indicating this variant is rare. At this time, the clinical significance of this variant is uncertain due to the absence of conclusive functional and genetic evidence.

Labcorp Genetics (formerly Invitae), Labcorp
Classification: Uncertain significance. Last evaluated: 2024-04-15. Review status: criteria provided, single submitter. Criteria: Invitae Variant Classification Sherloc (09022015). Collection method: clinical testing. Allele origin: germline.
Comment: This sequence change replaces valine, which is neutral and non-polar, with alanine, which is neutral and non-polar, at codon 3252 of the KMT2A protein (p.Val3252Ala). This variant is not present in population databases (gnomAD no frequency). This variant has not been reported in the literature in individuals affected with KMT2A-related conditions. ClinVar contains an entry for this variant (Variation ID: 1465864). Advanced modeling of protein sequence and biophysical properties (such as structural, functional, and spatial information, amino acid conservation, physicochemical variation, residue mobility, and thermodynamic stability) performed at Invitae indicates that this missense variant is not expected to disrupt KMT2A protein function with a negative predictive value of 95%. In summary, the available evidence is currently insufficient to determine the role of this variant in disease. Therefore, it has been classified as a Variant of Uncertain Significance.